The following is an entry in ClinVar:

NC_000020.10:g.(?_62070931)_(62076207_?)del

Gene: KCNQ2 (potassium voltage-gated channel subfamily Q member 2; minus strand). Cytogenetic location: 20q13.33.
Variant type: Deletion.
Identifiers: ClinVar variation 2427473 (VCV002427473.4).

ClinVar aggregate classification (germline): Pathogenic (1 of 4 stars; one submission).

Conditions:
Developmental and epileptic encephalopathy. Identifiers: MedGen C5779964, MONDO:0100620.

Submission:

Labcorp Genetics (formerly Invitae), Labcorp
Classification: Pathogenic for Early-infantile DEE. Last evaluated: 2022-07-04. Review status: criteria provided, single submitter. Criteria: Invitae Variant Classification Sherloc (09022015). Collection method: clinical testing. Allele origin: germline.
Comment: For these reasons, this variant has been classified as Pathogenic. This variant has not been reported in the literature in individuals affected with KCNQ2-related conditions. This variant is a gross deletion of the genomic region encompassing exon(s) 4-6 of the KCNQ2 gene. This deletion is out-of-frame, and is expected to create a premature termination codon and result in an absent or disrupted protein product. Loss-of-function variants in KCNQ2 are known to be pathogenic (PMID: 14534157, 23692823, 27779742).

Literature cited by the submitters: PubMed 14534157; PubMed 23692823; PubMed 27779742.